The following is an entry in ClinVar:

GRCh38/hg38 22q11.21(chr22:18339130-21056995)x3

Genes: AIFM3 (AIF family member 3; plus strand), ARVCF (ARVCF delta catenin family member; minus strand), C22orf39 (chromosome 22 open reading frame 39; minus strand), CCDC188 (coiled-coil domain containing 188; minus strand), CDC45 (cell division cycle 45; plus strand) and 184 more. Cytogenetic location: 22q11.21.
Variant type: copy number gain.
Change: copy number 3 (three copies instead of two) of chr22:18,339,130-21,056,995 (2.72 Mb, GRCh38 coordinates, 1-based), cytogenetic band 22q11.21.
Identifiers: ClinVar variation 58172 (VCV000058172.2).

ClinVar aggregate classification (germline): Pathogenic (1 of 4 stars; one submission).

Submission:

ISCA Site 6
Classification: Pathogenic. Last evaluated: 2011-08-12. Review status: criteria provided, single submitter. Criteria: Kaminsky et al. (Genet Med. 2011). Collection method: clinical testing. Allele origin: unknown. Affected: yes. Observed: 1 variant allele.
Comment: Copy number variation identified through the course of routine clinical cytogenomic testing in postnatal populations. Clinical assertions have been curated as described in Kaminsky et al. 2011.